The following is an entry in ClinVar:

ClinVar aggregate classification (germline): Uncertain significance. Review status: criteria provided, multiple submitters, no conflicts (2 of 4 stars). 6 submissions from 6 submitters: Uncertain significance (6). Last evaluated 2026-01-26.

Conditions:
Familial cancer of breast. Also called: BREAST CANCER, FAMILIAL; Hereditary breast cancer; hereditary breast carcinoma. Identifiers: Orphanet 227535, MedGen C0346153, MONDO:0016419, OMIM 114480. Disease mechanism: loss of function.
Fanconi anemia complementation group J. Also called: BRIP1-Related Fanconi Anemia. Identifiers: Orphanet 84, MedGen C1836860, MONDO:0012187, OMIM 609054.
Hereditary cancer-predisposing syndrome. Also called: Tumor predisposition; Hereditary Cancer Syndrome; Neoplastic Syndromes, Hereditary; Hereditary neoplastic syndrome. Identifiers: Orphanet 140162, MedGen C0027672, MeSH D009386, MONDO:0015356.

Submissions (6):

Labcorp Genetics (formerly Invitae), Labcorp
Classification: Uncertain significance for Familial cancer of breast; Fanconi anemia complementation group J. Last evaluated: 2026-01-26. Review status: criteria provided, single submitter. Criteria: Invitae Variant Classification Sherloc (09022015). Collection method: clinical testing. Allele origin: germline.
Comment: This sequence change falls in intron 13 of the BRIP1 gene. It does not directly change the encoded amino acid sequence of the BRIP1 protein. Information on the frequency of this variant in the gnomAD database is not available, as this variant may be reported differently in the database. This variant has not been reported in the literature in individuals affected with BRIP1-related conditions. ClinVar contains an entry for this variant (Variation ID: 128165). Studies have shown that this variant is associated with inconclusive levels of altered splicing (internal data). In summary, the available evidence is currently insufficient to determine the role of this variant in disease. Therefore, it has been classified as a Variant of Uncertain Significance.

Ambry Genetics
Classification: Uncertain significance for Hereditary cancer-predisposing syndrome. Last evaluated: 2025-11-18. Review status: criteria provided, single submitter. Criteria: Ambry Variant Classification Scheme 2023. Collection method: clinical testing. Allele origin: germline.
Comment: The c.1936-5_1936-4delTCinsGT intronic variant results from the deletion of two nucleotides (TC) and insertion of two nucleotides (GT), at positions c.1936-5 and c.1936-4, upstream of coding exon 13 in the BRIP1 gene. Based on nucleotide sequence alignment, this region is well conserved in available higher vertebrate species. In silico splice site analysis predicts that this alteration will weaken the native splice acceptor site. RNA studies have demonstrated that this alteration results in an incomplete splice defect; the clinical impact of this abnormal splicing is unknown at this time (Ambry internal data). Since supporting evidence is limited at this time, the clinical significance of this alteration remains unclear.

GeneDx
Classification: Uncertain significance. Last evaluated: 2023-08-09. Review status: criteria provided, single submitter. Criteria: GeneDx Variant Classification Process June 2021. Collection method: clinical testing. Allele origin: germline. Affected: yes.
Comment: Not observed at significant frequency in large population cohorts (gnomAD); In silico analysis supports a deleterious effect on splicing; Has not been previously published as pathogenic or benign to our knowledge

Quest Diagnostics Nichols Institute San Juan Capistrano
Classification: Uncertain significance. Last evaluated: 2023-05-02. Review status: criteria provided, single submitter. Criteria: Quest Diagnostics criteria. Collection method: clinical testing. Allele origin: unknown.
Comment: This variant has not been reported in the published literature. The frequency of this variant in the general population, 0.00016 (4/24954 chromosomes), is uninformative in assessment of its pathogenicity. Analysis of this variant using software algorithms for the prediction of the effect of nucleotide changes on splicing yielded predictions that this variant may affect proper BRIP1 mRNA splicing . Based on the available information, we are unable to determine the clinical significance of this variant.

Color Diagnostics, LLC DBA Color Health
Classification: Uncertain significance for Hereditary cancer-predisposing syndrome. Last evaluated: 2022-04-25. Review status: criteria provided, single submitter. Criteria: ACMG Guidelines, 2015. Collection method: clinical testing. Allele origin: germline.
Comment: This variant is a 2-basepair substitution in the intron 13 splice acceptor region of the BRIP1 gene. Splice site prediction tools suggest that this variant may have a significant impact on RNA splicing, although this prediction has not been confirmed in published RNA studies. This variant has not been reported in individuals affected with hereditary cancer in the literature. This variant has not been identified in the general population by the Genome Aggregation Database (gnomAD). The available evidence is insufficient to determine the role of this variant in disease conclusively. Therefore, this variant is classified as a Variant of Uncertain Significance.

Baylor Genetics
Classification: Uncertain significance for Familial cancer of breast. Last evaluated: 2020-10-08. Review status: criteria provided, single submitter. Criteria: ACMG Guidelines, 2015. Collection method: clinical testing. Allele origin: unknown.

NM_032043.3(BRIP1):c.1936-5_1936-4delinsGT

Gene: BRIP1 (BRCA1 interacting DNA helicase 1; minus strand). Cytogenetic location: 17q23.2.
Variant type: Indel.
Coding change: c.1936-5_1936-4delinsGT on transcript NM_032043.3 (MANE Select); 5 bases into the intron before coding-DNA position 1936 through 4 bases into the intron before coding-DNA position 1936, TC replaced by GT.
Molecular consequence: intron variant.
Genome position (GRCh38, 1-based): chr17:61,776,566-61,776,567, GA replaced by AC on the plus strand (TC replaced by GT on the coding strand, the reverse complement: BRIP1 is on the minus strand). VCF-style: chr17-61776566-GA-AC. GRCh37 (hg19) VCF-style: chr17-59853927-GA-AC.
Other names: IVS13-5TC>GT; c.1936-5_1936-4delTCinsGT (NM_032043.2).
Identifiers: ClinVar variation 128165 (VCV000128165.27), dbSNP rs587781481, ClinGen allele CA288541.